The following is an entry in ClinVar:

NM_001364905.1(LRBA):c.1931dup (p.Arg645fs)

Gene: LRBA (LPS responsive beige-like anchor protein; minus strand). Cytogenetic location: 4q31.3.
Variant type: Duplication.
Coding change: c.1931dup on transcript NM_001364905.1 (MANE Select); coding-DNA position 1931, one base duplicated (C; older notation c.1931dupC).
Protein change: p.Arg645fs; shifts the reading frame from arginine 645.
Molecular consequence: frameshift variant.
Genome position (GRCh38, 1-based): chr4:150,897,812, G duplicated on the plus strand (C on the coding strand, the reverse complement: LRBA is on the minus strand); the first of 2 consecutive G bases (chr4:150,897,812-150,897,813); duplicating either gives the same sequence. VCF-style (leftmost placement, unchanged base first): chr4-150897811-C-CG. GRCh37 (hg19) VCF-style: chr4-151818963-C-CG.
Other names: c.1930dup, p.Arg645Alafs (NM_001199282.3, NM_006726.5); c.1931dup, p.Arg645fs (NM_001367550.1); short protein forms R645fs.
Identifiers: ClinVar variation 863113 (VCV000863113.7), dbSNP rs745453685, ClinGen allele CA3103424.

ClinVar aggregate classification (germline): Pathogenic (1 of 4 stars; one submission).

Conditions:
Combined immunodeficiency due to LRBA deficiency. Also called: Common variable immunodeficiency 8, with autoimmunity. Identifiers: Orphanet 445018, MedGen C3553512, MONDO:0013863, OMIM 614700.

Submission:

Labcorp Genetics (formerly Invitae), Labcorp
Classification: Pathogenic for Combined immunodeficiency due to LRBA deficiency. Last evaluated: 2024-12-27. Review status: criteria provided, single submitter. Criteria: Invitae Variant Classification Sherloc (09022015). Collection method: clinical testing. Allele origin: germline.
Comment: This sequence change creates a premature translational stop signal (p.Arg645Alafs*3) in the LRBA gene. It is expected to result in an absent or disrupted protein product. Loss-of-function variants in LRBA are known to be pathogenic (PMID: 26206937, 26768763). This variant is present in population databases (rs745453685, gnomAD 0.009%). This variant has not been reported in the literature in individuals affected with LRBA-related conditions. ClinVar contains an entry for this variant (Variation ID: 863113). For these reasons, this variant has been classified as Pathogenic.

Literature cited by the submitters: PubMed 26206937; PubMed 26768763.